The following is an entry in ClinVar:

NM_000138.5(FBN1):c.79G>A (p.Ala27Thr)

Genes: FBN1 (fibrillin 1; minus strand), LOC130057019 (ATAC-STARR-seq lymphoblastoid silent region 6417; plus strand). Cytogenetic location: 15q21.1.
Variant type: single nucleotide variant.
Coding change: c.79G>A on transcript NM_000138.5 (MANE Select); coding-DNA position 79, G replaced by A.
Protein change: p.Ala27Thr; replaces alanine 27 with threonine.
Molecular consequence: missense variant.
Genome position (GRCh38, 1-based): chr15:48,644,691, C>T on the plus strand (G>A on the coding strand, the complement: FBN1 is on the minus strand). VCF-style: chr15-48644691-C-T. GRCh37 (hg19) VCF-style: chr15-48936888-C-T.
Other names: p.A27T:GCC>ACC; NM_000138.5(FBN1):c.79G>A; short protein forms A27T.
Identifiers: ClinVar variation 163486 (VCV000163486.32), dbSNP rs25397, ClinGen allele CA017499.

ClinVar aggregate classification (germline): Benign. Review status: reviewed by expert panel (3 of 4 stars). 19 submissions from 13 submitters: Benign (1). 18 of the submissions do not count toward it. Last evaluated 2023-09-28.

Conditions:
Weill-Marchesani syndrome. Also called: WM Syndrome; Mesodermal dysmorphodystrophy congenital. Identifiers: Orphanet 3449, MedGen C0265313, MONDO:0018096.
Geleophysic dysplasia. Identifiers: Orphanet 2623, MedGen C3489726, MONDO:0000127.
Marfan syndrome (MFS). Also called: Marfan syndrome, classic; FBN1-Related Marfan Syndrome; Marfan syndrome type 1; Marfan's syndrome; MARFAN SYNDROME, TYPE I. Identifiers: Orphanet 284963, Orphanet 558, MedGen C0024796, MONDO:0007947, OMIM 154700.
Familial thoracic aortic aneurysm and aortic dissection (TAAD). Also called: Thoracic aortic aneurysms and dissections. Identifiers: Orphanet 91387, MedGen C4707243, MONDO:0019625.
Acromicric dysplasia (ACMICD). Also called: Acromicric skeletal dysplasia. Identifiers: Orphanet 969, MedGen C0265287, MONDO:0007055, OMIM 102370.
Ectopia lentis 1, isolated, autosomal dominant (ECTOL1). Identifiers: Orphanet 1885, MedGen C3541518, MONDO:0007514, OMIM 129600.
Stiff skin syndrome (SSKS). Identifiers: Orphanet 2833, MedGen C1861456, MONDO:0008492, OMIM 184900.

Allele frequency attached by ClinVar (database versions not stated): gnomAD 0.00019 and 0.00026; gnomAD exomes 0.00016 and 0.00048; ExAC 0.00044; 1000 Genomes Project 30x 0.00094; 1000 Genomes Project 0.00120; TOPMed 0.00033.
gnomAD v4.1: 271 of 1,614,186 alleles (0.017%); highest among the groups gnomAD compares: East Asian, 0.57%; 2 homozygotes.

Submissions (19):

ClinGen FBN1 Variant Curation Expert Panel, ClinGen
Classification: Benign for Marfan syndrome. Last evaluated: 2023-09-28. Review status: reviewed by expert panel. Criteria: Assertion Criteria VCEP FBN1 Version 1. Collection method: curation. Allele origin: germline. Inheritance: Autosomal dominant inheritance.
Comment: The NM_000138.5 c.79G>A, is a missense variant in FBN1 predicted to cause a substitution of a alanine acid by threonine at amino acid 27 (p.Ala27Thr). This variant has been previously reported in ClinVar as likely benign and benign (Variation ID: 163486). This variant has been identified in 129/19954 (0.65%) of individuals of East Asian origin (MAF: 0.65%) (BA1; version 2.1.1). It has been reported in individuals with thoracic aortic aneurysm and/or dissection, and in individuals with clinical features of Marfan syndrome, however it was considered to be a polymorphism (PMID 26272055, 19839986, 16835936). Computational prediction tools and conservation analysis suggests no impact on the protein (REVEL: 0.097) (BP4). The constraint z-score for missense variants affecting FBN1 is 5.06, however due to the presence of two benign arguments, PP2 cannot be used. In summary, this variant meets criteria to be classified as benign for Marfan syndrome based on the ACMG/AMP criteria applied, as specified by the ClinGenFBN1 VCEP: BA1, BP4.

Labcorp Genetics (formerly Invitae), Labcorp
Classification: Benign for Marfan syndrome; Familial thoracic aortic aneurysm and aortic dissection. Last evaluated: 2026-01-16. Review status: criteria provided, single submitter. Criteria: Invitae Variant Classification Sherloc (09022015). Collection method: clinical testing. Allele origin: germline. Not counted in ClinVar's aggregate classification.

All of Us Research Program, National Institutes of Health
Classification: Benign for Marfan syndrome. Last evaluated: 2024-09-17. Review status: criteria provided, single submitter. Criteria: ACMG Guidelines, 2015. Collection method: clinical testing. Allele origin: germline. Inheritance: Autosomal dominant inheritance. Observed: 43 variant alleles, 43 heterozygotes. Not counted in ClinVar's aggregate classification.
Comment: This study involves interpretation of variants in research participants for the purpose of population health screening. Participant phenotype was not available at the time of variant classification. Additional details can be found in publication PMID: 35346344, PMCID: PMC8962531

Blueprint Genetics
Classification: Likely benign. Last evaluated: 2023-10-06. Review status: criteria provided, single submitter. Criteria: ACMG Guidelines, 2015. Collection method: clinical testing. Allele origin: germline. Not counted in ClinVar's aggregate classification.

GeneDx
Classification: Likely benign. Last evaluated: 2020-09-23. Review status: criteria provided, single submitter. Criteria: GeneDx Variant Classification Process June 2021. Collection method: clinical testing. Allele origin: germline. Affected: yes. Not counted in ClinVar's aggregate classification.
Comment: This variant is associated with the following publications: (PMID: 26272055, 19839986, 16835936)

Ambry Genetics
Classification: Benign for Familial thoracic aortic aneurysm and aortic dissection. Last evaluated: 2019-09-16. Review status: criteria provided, single submitter. Criteria: Ambry Variant Classification Scheme 2023. Collection method: clinical testing. Allele origin: germline. Not counted in ClinVar's aggregate classification.

Color Diagnostics, LLC DBA Color Health
Classification: Benign for Familial thoracic aortic aneurysm and aortic dissection. Last evaluated: 2018-04-14. Review status: criteria provided, single submitter. Criteria: ACMG Guidelines, 2015. Collection method: clinical testing. Allele origin: germline. Not counted in ClinVar's aggregate classification.

Illumina Laboratory Services, Illumina
Classification: Likely benign for Familial thoracic aortic aneurysm and aortic dissection. Last evaluated: 2018-01-13. Review status: criteria provided, single submitter. Criteria: ICSL Variant Classification Criteria 13 December 2019. Collection method: clinical testing. Allele origin: germline. Not counted in ClinVar's aggregate classification.
Comment: This variant was observed in the ICSL laboratory as part of a predisposition screen in an ostensibly healthy population. It had not been previously curated by ICSL or reported in the Human Gene Mutation Database (HGMD: prior to June 1st, 2018), and was therefore a candidate for classification through an automated scoring system. Utilizing variant allele frequency, disease prevalence and penetrance estimates, and inheritance mode, an automated score was calculated to assess if this variant is too frequent to cause the disease. Based on the score and internal cut-off values, a variant classified as likely benign is not then subjected to further curation. The score for this variant resulted in a classification of likely benign for this disease.

Illumina Laboratory Services, Illumina
Classification: Benign for Stiff skin syndrome. Last evaluated: 2018-01-13. Review status: criteria provided, single submitter. Criteria: ICSL Variant Classification Criteria 13 December 2019. Collection method: clinical testing. Allele origin: germline. Not counted in ClinVar's aggregate classification.
Comment: This variant was observed in the ICSL laboratory as part of a predisposition screen in an ostensibly healthy population. It had not been previously curated by ICSL or reported in the Human Gene Mutation Database (HGMD: prior to June 1st, 2018), and was therefore a candidate for classification through an automated scoring system. Utilizing variant allele frequency, disease prevalence and penetrance estimates, and inheritance mode, an automated score was calculated to assess if this variant is too frequent to cause the disease. Based on the score and internal cut-off values, a variant classified as benign is not then subjected to further curation. The score for this variant resulted in a classification of benign for this disease.

Illumina Laboratory Services, Illumina
Classification: Benign for Acromicric dysplasia. Last evaluated: 2018-01-13. Review status: criteria provided, single submitter. Criteria: ICSL Variant Classification Criteria 13 December 2019. Collection method: clinical testing. Allele origin: germline. Not counted in ClinVar's aggregate classification.
Comment: the same text as in the submission from Illumina Laboratory Services, Illumina above.

Illumina Laboratory Services, Illumina
Classification: Benign for Geleophysic dysplasia. Last evaluated: 2018-01-13. Review status: criteria provided, single submitter. Criteria: ICSL Variant Classification Criteria 13 December 2019. Collection method: clinical testing. Allele origin: germline. Not counted in ClinVar's aggregate classification.
Comment: the same text as in the submission from Illumina Laboratory Services, Illumina above.

Illumina Laboratory Services, Illumina
Classification: Benign for Marfan syndrome. Last evaluated: 2018-01-13. Review status: criteria provided, single submitter. Criteria: ICSL Variant Classification Criteria 13 December 2019. Collection method: clinical testing. Allele origin: germline. Not counted in ClinVar's aggregate classification.
Comment: the same text as in the submission from Illumina Laboratory Services, Illumina above.

Illumina Laboratory Services, Illumina
Classification: Benign for Weill-Marchesani syndrome. Last evaluated: 2018-01-13. Review status: criteria provided, single submitter. Criteria: ICSL Variant Classification Criteria 13 December 2019. Collection method: clinical testing. Allele origin: germline. Not counted in ClinVar's aggregate classification.
Comment: the same text as in the submission from Illumina Laboratory Services, Illumina above.

Illumina Laboratory Services, Illumina
Classification: Benign for Ectopia lentis 1, isolated, autosomal dominant. Last evaluated: 2018-01-13. Review status: criteria provided, single submitter. Criteria: ICSL Variant Classification Criteria 13 December 2019. Collection method: clinical testing. Allele origin: germline. Not counted in ClinVar's aggregate classification.
Comment: the same text as in the submission from Illumina Laboratory Services, Illumina above.

Women's Health and Genetics/Laboratory Corporation of America, LabCorp
Classification: Benign. Last evaluated: 2017-07-20. Review status: criteria provided, single submitter. Criteria: LabCorp Variant Classification Summary - May 2015. Collection method: clinical testing. Allele origin: germline. Not counted in ClinVar's aggregate classification.
Comment: Variant summary: The FBN1 c.79G>A (p.Ala27Thr) variant involves the alteration of a non-conserved nucleotide and 3/4 in silico tools (SNPsandGO not captured due to low reliability index) predict a benign outcome. However, these predictions have yet to be functionally assessed. This variant was found in 60/124386 control chromosomes, predominantly observed in the East Asian cohort at a frequency of 0.00601 (52/8652). This frequency is about 53 times the estimated maximal expected allele frequency of a pathogenic FBN1 variant (0.0001125), suggesting this is likely a benign polymorphism found primarily in population(s) of East Asia. In addition, multiple clinical diagnostic laboratories/reputable databases classified this variant as likely benign/benign. Taken together, this variant is classified as benign.

Laboratory for Molecular Medicine, Mass General Brigham Personalized Medicine
Classification: Likely benign. Last evaluated: 2015-10-12. Review status: criteria provided, single submitter. Criteria: LMM Criteria. Collection method: clinical testing. Allele origin: germline. Observed: 2 variant alleles. Not counted in ClinVar's aggregate classification.
Comment: p.Ala27Thr in exon 1 of FBN1: This variant is not expected to have clinical sign ificance because it has been identified in 0.6% (52/8652) of East Asian chromoso mes by the Exome Aggregation Consortium (ExAC; d bSNP rs25397).

Clinical Genetics DNA and cytogenetics Diagnostics Lab, Erasmus MC, Erasmus Medical Center
Classification: Likely benign. Review status: no assertion criteria provided. Collection method: clinical testing. Allele origin: germline. Affected: yes. Study: VKGL Data-share Consensus. Not counted in ClinVar's aggregate classification.

Genome Diagnostics Laboratory, Amsterdam University Medical Center
Classification: Likely benign. Review status: no assertion criteria provided. Collection method: clinical testing. Allele origin: germline. Affected: yes. Study: VKGL Data-share Consensus. Not counted in ClinVar's aggregate classification.

Laboratory of Diagnostic Genome Analysis, Leiden University Medical Center (LUMC)
Classification: Likely benign. Review status: no assertion criteria provided. Collection method: clinical testing. Allele origin: germline. Affected: yes. Study: VKGL Data-share Consensus. Not counted in ClinVar's aggregate classification.

Literature cited by the submitters: PubMed 19839986 (cited by Women's Health and Genetics/Laboratory Corporation of America, LabCorp); PubMed 26272055 (cited by Women's Health and Genetics/Laboratory Corporation of America, LabCorp); PubMed 16835936 (cited by Women's Health and Genetics/Laboratory Corporation of America, LabCorp).